The following is an entry in ClinVar:

NM_032168.3(WDR75):c.137C>T (p.Thr46Ile)

Gene: WDR75 (WD repeat domain 75; plus strand). Cytogenetic location: 2q32.2.
Variant type: single nucleotide variant.
Coding change: c.137C>T on transcript NM_032168.3 (MANE Select); coding-DNA position 137, C replaced by T.
Protein change: p.Thr46Ile; replaces threonine 46 with isoleucine.
Molecular consequence: missense variant. On other transcripts: 5 prime UTR variant (1).
Genome position (GRCh38, 1-based): chr2:189,448,429, C>T. VCF-style: chr2-189448429-C-T. GRCh37 (hg19) VCF-style: chr2-190313155-C-T.
Other names: c.-90C>T (NM_001303096.2); short protein forms T46I.
Identifiers: ClinVar variation 4813973 (VCV004813973.1).

ClinVar aggregate classification (germline): Uncertain significance (0 of 4 stars; one submission).

Submission:

Lymphocyte Activation and Susceptibility to EBV Laboratory, Institut Imagine
Classification: Uncertain significance. Last evaluated: 2026-03-09. Review status: no assertion criteria provided. Collection method: research. Allele origin: germline. Inheritance: Autosomal recessive inheritance. Affected: yes.